The following is an entry in ClinVar:

NM_001365276.2(TNXB):c.8006C>T (p.Pro2669Leu)

Gene: TNXB (tenascin XB; minus strand). Cytogenetic location: 6p21.33.
Variant type: single nucleotide variant.
Coding change: c.8006C>T on transcript NM_001365276.2 (MANE Select); coding-DNA position 8006, C replaced by T.
Protein change: p.Pro2669Leu; replaces proline 2669 with leucine.
Molecular consequence: missense variant.
Genome position (GRCh38, 1-based): chr6:32,056,723, G>A on the plus strand (C>T on the coding strand, the complement: TNXB is on the minus strand). VCF-style: chr6-32056723-G-A. GRCh37 (hg19) VCF-style: chr6-32024500-G-A.
Other names: c.8006C>T, p.Pro2669Leu (NM_019105.8); short protein forms P2669L.
Identifiers: ClinVar variation 3327867 (VCV003327867.1).

ClinVar aggregate classification (germline): Uncertain significance (1 of 4 stars; one submission).

Conditions:
Cardiovascular phenotype. Identifiers: MedGen CN230736.

gnomAD v4.1: 1 of 1,613,204 alleles (0.000062%); highest among the groups gnomAD compares: Non-Finnish European, 0.000085%; no homozygotes.

Submission:

Ambry Genetics
Classification: Uncertain significance for Cardiovascular phenotype. Last evaluated: 2024-03-21. Review status: criteria provided, single submitter. Criteria: Ambry Variant Classification Scheme 2023. Collection method: clinical testing. Allele origin: germline.
Comment: The p.P2669L variant (also known as c.8006C>T), located in coding exon 22 of the TNXB gene, results from a C to T substitution at nucleotide position 8006. The proline at codon 2669 is replaced by leucine, an amino acid with similar properties. This amino acid position is conserved. In addition, this alteration is predicted to be tolerated by in silico analysis. Based on the available evidence, the clinical significance of this alteration remains unclear.